The following is an entry in ClinVar:

ClinVar aggregate classification (germline): Uncertain significance (1 of 4 stars; one submission).

Conditions:
Birt-Hogg-Dube syndrome. Also called: Birt Hogg Dubé syndrome. Identifiers: Orphanet 122, MedGen C0346010, MONDO:0800444.

Submission:

Labcorp Genetics (formerly Invitae), Labcorp
Classification: Uncertain significance for Birt-Hogg-Dube syndrome. Last evaluated: 2024-11-27. Review status: criteria provided, single submitter. Criteria: Invitae Variant Classification Sherloc (09022015). Collection method: clinical testing. Allele origin: germline.
Comment: This sequence change replaces valine, which is neutral and non-polar, with aspartic acid, which is acidic and polar, at codon 384 of the FLCN protein (p.Val384Asp). This variant is not present in population databases (gnomAD no frequency). This variant has not been reported in the literature in individuals affected with FLCN-related conditions. Invitae Evidence Modeling of protein sequence and biophysical properties (such as structural, functional, and spatial information, amino acid conservation, physicochemical variation, residue mobility, and thermodynamic stability) has been performed for this missense variant. However, the output from this modeling did not meet the statistical confidence thresholds required to predict the impact of this variant on FLCN protein function. In summary, the available evidence is currently insufficient to determine the role of this variant in disease. Therefore, it has been classified as a Variant of Uncertain Significance.

NM_144997.7(FLCN):c.1151T>A (p.Val384Asp)

Gene: FLCN (folliculin; minus strand). Cytogenetic location: 17p11.2.
Variant type: single nucleotide variant.
Coding change: c.1151T>A on transcript NM_144997.7 (MANE Select); coding-DNA position 1151, T replaced by A.
Protein change: p.Val384Asp; replaces valine 384 with aspartic acid.
Molecular consequence: missense variant.
Genome position (GRCh38, 1-based): chr17:17,217,094, A>T on the plus strand (T>A on the coding strand, the complement: FLCN is on the minus strand). VCF-style: chr17-17217094-A-T. GRCh37 (hg19) VCF-style: chr17-17120408-A-T.
Other names: c.1205T>A, p.Val402Asp (NM_001353229.2); c.1151T>A, p.Val384Asp (NM_001353230.2, NM_001353231.2); short protein forms V384D, V402D.
Identifiers: ClinVar variation 3694224 (VCV003694224.2).
Genomic context (GRCh38, chr17:17,217,094, plus strand): 5'-CCTGCGCCGCACACCTAAGGAAAAGATGTTCTCACCCGAAGTACTTCAAAAGCTGACTGG[A>T]CGAGGTCCACGTCTCTGCTTTTCCAGATCACCTGGTTCCCCATGAGAACGTGCCAGGCCA-3'
Protein context (NP_659434.2, residues 374-394): VIWKSRDVDL[Val384Asp]QSAFEVLRTM